The following is an entry in ClinVar:

ClinVar aggregate classification (germline): Uncertain significance (1 of 4 stars; one submission).

Allele frequency attached by ClinVar (database versions not stated): gnomAD 0.00001; gnomAD exomes below 0.00001; ExAC 0.00001.
gnomAD v4.1: 2 of 1,613,494 alleles (0.00012%); highest among the groups gnomAD compares: African/African-American, 0.0027%; no homozygotes.

Submission:

Labcorp Genetics (formerly Invitae), Labcorp
Classification: Uncertain significance. Last evaluated: 2025-02-03. Review status: criteria provided, single submitter. Criteria: Invitae Variant Classification Sherloc (09022015). Collection method: clinical testing. Allele origin: germline.
Comment: This sequence change replaces alanine, which is neutral and non-polar, with valine, which is neutral and non-polar, at codon 1867 of the LRP2 protein (p.Ala1867Val). This variant is present in population databases (rs767130991, gnomAD 0.007%). This variant has not been reported in the literature in individuals affected with LRP2-related conditions. ClinVar contains an entry for this variant (Variation ID: 1419536). Invitae Evidence Modeling of protein sequence and biophysical properties (such as structural, functional, and spatial information, amino acid conservation, physicochemical variation, residue mobility, and thermodynamic stability) indicates that this missense variant is not expected to disrupt LRP2 protein function with a negative predictive value of 95%. In summary, the available evidence is currently insufficient to determine the role of this variant in disease. Therefore, it has been classified as a Variant of Uncertain Significance.

NM_004525.3(LRP2):c.5600C>T (p.Ala1867Val)

Gene: LRP2 (LDL receptor related protein 2; minus strand). Cytogenetic location: 2q31.1.
Variant type: single nucleotide variant.
Coding change: c.5600C>T on transcript NM_004525.3 (MANE Select); coding-DNA position 5600, C replaced by T.
Protein change: p.Ala1867Val; replaces alanine 1867 with valine.
Molecular consequence: missense variant.
Genome position (GRCh38, 1-based): chr2:169,220,502, G>A on the plus strand (C>T on the coding strand, the complement: LRP2 is on the minus strand). VCF-style: chr2-169220502-G-A. GRCh37 (hg19) VCF-style: chr2-170077012-G-A.
Other names: short protein forms A1867V.
Identifiers: ClinVar variation 1419536 (VCV001419536.5), dbSNP rs767130991, ClinGen allele CA1954491.